The following is an entry in ClinVar:

NM_001271838.2(RSRC1):c.652+1G>A

Gene: RSRC1 (arginine and serine rich coiled-coil 1; plus strand). Cytogenetic location: 3q25.32.
Variant type: single nucleotide variant.
Coding change: c.652+1G>A on transcript NM_001271838.2 (MANE Select); the canonical splice donor site of the intron after coding-DNA position 652, G replaced by A.
Molecular consequence: splice donor variant.
Genome position (GRCh38, 1-based): chr3:158,461,004, G>A. VCF-style: chr3-158461004-G-A. GRCh37 (hg19) VCF-style: chr3-158178793-G-A.
Other names: c.652+1G>A (NM_016625.4); c.478+1G>A (NM_001271834.2).
Identifiers: ClinVar variation 2579470 (VCV002579470.1), dbSNP rs762779524, ClinGen allele CA2681701.

ClinVar aggregate classification (germline): Likely pathogenic (1 of 4 stars; one submission).

Allele frequency attached by ClinVar (database versions not stated): ExAC 0.00001; TOPMed 0.00001; gnomAD exomes 0.00003.
gnomAD v4.1: 37 of 1,593,246 alleles (0.0023%); highest among the groups gnomAD compares: Non-Finnish European, 0.003%; no homozygotes.

Submission:

GeneDx
Classification: Likely pathogenic. Last evaluated: 2023-03-07. Review status: criteria provided, single submitter. Criteria: GeneDx Variant Classification Process June 2021. Collection method: clinical testing. Allele origin: germline. Affected: yes.
Comment: Canonical splice site variant expected to result in aberrant splicing, although in the absence of functional evidence the actual effect of this sequence change is unknown.; Not observed at significant frequency in large population cohorts (gnomAD); Has not been previously published as pathogenic or benign to our knowledge